The following is an entry in ClinVar:

NM_000169.3(GLA):c.1088_1091dup (p.Tyr365fs)

Genes: GLA (galactosidase alpha; minus strand), RPL36A-HNRNPH2 (RPL36A-HNRNPH2 readthrough; plus strand). Cytogenetic location: Xq22.1.
Variant type: Duplication.
Coding change: c.1088_1091dup on transcript NM_000169.3 (MANE Select); coding-DNA positions 1088 to 1091, 4 bases duplicated (GCTC; older notation c.1088_1091dupGCTC).
Protein change: p.Tyr365fs; shifts the reading frame from tyrosine 365.
Molecular consequence: frameshift variant. On other transcripts: non-coding transcript variant (3), intron variant (2).
Genome position (GRCh38, 1-based): chrX:101,398,008-101,398,011, GAGC duplicated on the plus strand (GCTC on the coding strand, the reverse complement: GLA is on the minus strand); duplicating any 4 consecutive bases within chrX:101,398,008-101,398,014 gives the same sequence; the c. name uses the placement nearest the transcript's 3' end. VCF-style (leftmost placement, unchanged base first): chrX-101398007-A-AGAGC. GRCh37 (hg19) VCF-style: chrX-100652995-A-AGAGC.
Other names: c.1211_1214dup, p.Tyr406fs (NM_001406747.1); c.300+2554_300+2557dup (NM_001199973.2); c.177+6189_177+6192dup (NM_001199974.2); short protein forms Y365fs, Y406fs.
Identifiers: ClinVar variation 4087059 (VCV004087059.2).

ClinVar aggregate classification (germline): Pathogenic (1 of 4 stars; one submission).

Conditions:
Fabry disease. Also called: ALPHA-GALACTOSIDASE A DEFICIENCY; ANDERSON-FABRY DISEASE; CERAMIDE TRIHEXOSIDASE DEFICIENCY; GLA DEFICIENCY; HEREDITARY DYSTOPIC LIPIDOSIS; Angiokeratoma corporis diffusum. Identifiers: Orphanet 324, MedGen C0002986, MONDO:0010526, OMIM 301500, HP:0001071. Disease mechanism: Fabry disease is due to inactivating mutations in the X-linked GLA gene resulting in deficiency of the enzyme Alpha Galactosidase-A., loss of function.

Submission:

Genomenon, Inc
Classification: Pathogenic for Fabry disease. Last evaluated: 2026-09-08. Review status: criteria provided, single submitter. Criteria: Genomenon Sequence Variant Interpretation Standards - Updated. Collection method: curation. Allele origin: germline. Affected: yes.
Comment: GLA p.Tyr365LeufsTer11 (c.1088_1091dup) is a frameshift variant that is predicted to introduce a premature termination codon and result in a truncated or absent protein product. This variant has been observed in at least one proband with clinical features consistent with Fabry disease (PMID:39225306;32843101;37268104). The variant was found to segregate with disease in at least one affected family (PMID:32843101). Functional or patient cell studies have been reported (PMID:39225306;32843101;33016649). It is absent or not present at a significant frequency in gnomAD. In conclusion, we classify GLA p.Tyr365LeufsTer11 (c.1088_1091dup) as a pathogenic variant.

Literature cited by the submitters: PubMed 39225306; PubMed 32843101; PubMed 37268104; PubMed 33016649.